The following is an entry in ClinVar:

NM_003500.4(ACOX2):c.1647T>C (p.Tyr549=)

Gene: ACOX2 (acyl-CoA oxidase 2; minus strand). Cytogenetic location: 3p14.3.
Variant type: single nucleotide variant.
Coding change: c.1647T>C on transcript NM_003500.4 (MANE Select); coding-DNA position 1647, T replaced by C.
Protein change: p.Tyr549=; no amino-acid change (tyrosine 549 retained).
Molecular consequence: synonymous variant.
Genome position (GRCh38, 1-based): chr3:58,517,409, A>G on the plus strand (T>C on the coding strand, the complement: ACOX2 is on the minus strand). VCF-style: chr3-58517409-A-G. GRCh37 (hg19) VCF-style: chr3-58503136-A-G.
Identifiers: ClinVar variation 3030785 (VCV003030785.2), dbSNP rs758835916, ClinGen allele CA2471983.

ClinVar aggregate classification (germline): Likely benign (0 of 4 stars; one submission).

Conditions:
ACOX2-related disorder. Also called: ACOX2-related condition.

Allele frequency attached by ClinVar (database versions not stated): TOPMed below 0.00001; ExAC 0.00001; gnomAD 0.00001; gnomAD exomes 0.00002.
gnomAD v4.1: 31 of 1,613,910 alleles (0.0019%); highest among the groups gnomAD compares: Non-Finnish European, 0.0025%; no homozygotes.

Submission:

PreventionGenetics, part of Exact Sciences
Classification: Likely benign for ACOX2-related condition. Last evaluated: 2023-10-04. Review status: no assertion criteria provided. Collection method: clinical testing. Allele origin: germline.
Comment: This variant is classified as likely benign based on ACMG/AMP sequence variant interpretation guidelines (Richards et al. 2015 PMID: 25741868, with internal and published modifications).